The following is an entry in ClinVar:

ClinVar aggregate classification (germline): Uncertain significance (1 of 4 stars; one submission).

Submission:

Dasa
Classification: Uncertain significance. Last evaluated: 2025-10-03. Review status: criteria provided, single submitter. Criteria: DASA Assertion Criteria. Collection method: clinical testing. Allele origin: germline.
Comment: NM_014233.4(UBTF):c.1156C>G (p.Gln386Glu) is a missense variant that results in the substitution of glutamine with glutamic acid. This variant is rare in population databases. The currently available literature and clinical evidence are not sufficient to establish a definitive association between this variant and the reported condition. Therefore, this variant is classified as a variant of uncertain significance.

NM_014233.4(UBTF):c.1156C>G (p.Gln386Glu)

Genes: ATXN7L3-AS1 (ATXN7L3 antisense RNA 1; plus strand), UBTF (upstream binding transcription factor; minus strand), LOC121587595 (Sharpr-MPRA regulatory region 7848; plus strand). Cytogenetic location: 17q21.31.
Variant type: single nucleotide variant.
Coding change: c.1156C>G on transcript NM_014233.4 (MANE Select); coding-DNA position 1156, C replaced by G.
Protein change: p.Gln386Glu; replaces glutamine 386 with glutamic acid.
Molecular consequence: missense variant. On other transcripts: non-coding transcript variant (1).
Genome position (GRCh38, 1-based): chr17:44,211,086, G>C on the plus strand (C>G on the coding strand, the complement: UBTF is on the minus strand). VCF-style: chr17-44211086-G-C. GRCh37 (hg19) VCF-style: chr17-42288454-G-C.
Other names: c.1045C>G, p.Gln349Glu (NM_001076683.2, NM_001076684.3); short protein forms Q349E, Q386E.
Identifiers: ClinVar variation 4885977 (VCV004885977.2).